The following is an entry in ClinVar:

NM_001374736.1(DST):c.3060+145TA[6]

Gene: DST (dystonin; minus strand). Cytogenetic location: 6p12.1.
Variant type: Microsatellite.
Coding change: c.3060+145TA[6] on transcript NM_001374736.1 (MANE Select); six copies in a row of the 2-base unit TA starting at c.3060+145; the reference has five copies in a row; one copy, 2 bases duplicated.
Molecular consequence: intron variant.
Genome position (GRCh38, 1-based): chr6:56,636,403-56,636,404, TA duplicated on the plus strand (TA on the coding strand, the reverse complement: DST is on the minus strand); duplicating any 2 consecutive bases within chr6:56,636,403-56,636,412 gives the same sequence; the position shown is the placement nearest the transcript's 3' end. VCF-style (leftmost placement, unchanged base first): chr6-56636402-G-GTA. GRCh37 (hg19) VCF-style: chr6-56501200-G-GTA.
Other names: c.2961+145TA[6] (NM_001144769.5); c.3060+145TA[6] (NM_001374722.1); c.3087+145TA[6] (NM_001374734.1); c.2547+145TA[6] (NM_001144770.2); c.2427+145TA[6] (NM_001374730.1, NM_001386100.1, NM_183380.4 and 1 more transcripts); c.1449+145TA[6] (NM_015548.5, NM_001723.7).
Identifiers: ClinVar variation 1683864 (VCV001683864.2), dbSNP rs375815463, ClinGen allele CA139218059.

ClinVar aggregate classification (germline): Likely benign (1 of 4 stars; one submission).

Submission:

GeneDx
Classification: Likely benign. Last evaluated: 2021-06-02. Review status: criteria provided, single submitter. Criteria: GeneDx Variant Classification Process June 2021. Collection method: clinical testing. Allele origin: germline. Affected: yes.
Comment: See Variant Classification Assertion Criteria.